The following is an entry in ClinVar:

NM_003764.4(STX11):c.191G>A (p.Arg64Gln)

Gene: STX11 (syntaxin 11; plus strand). Cytogenetic location: 6q24.2.
Variant type: single nucleotide variant.
Coding change: c.191G>A on transcript NM_003764.4 (MANE Select); coding-DNA position 191, G replaced by A.
Protein change: p.Arg64Gln; replaces arginine 64 with glutamine.
Molecular consequence: missense variant.
Genome position (GRCh38, 1-based): chr6:144,186,818, G>A. VCF-style: chr6-144186818-G-A. GRCh37 (hg19) VCF-style: chr6-144507955-G-A.
Other names: short protein forms R64Q.
Identifiers: ClinVar variation 2056496 (VCV002056496.1), dbSNP rs1204079066, ClinGen allele CA365948719.
Genomic context (GRCh38, chr6:144,186,818, plus strand): 5'-TGTACCGAGACATCCGGGACATTCAGGATGAAAACCAGCTGCTGGTGGCCGACGTGAAGC[G>A]GCTGGGAAAGCAGAACGCCCGCTTCCTCACGTCCATGCGGCGCCTCAGCAGCATCAAGCG-3'
Protein context (NP_003755.2, residues 54-74): ENQLLVADVK[Arg64Gln]LGKQNARFLT

ClinVar aggregate classification (germline): Uncertain significance (1 of 4 stars; one submission).

Conditions:
Familial hemophagocytic lymphohistiocytosis 4 (FHL4). Also called: STX11-Related Familial Hemophagocytic Lymphohistiocytosis (STX11-fHLH). Identifiers: Orphanet 540, MedGen C1863728, MONDO:0011336, OMIM 603552.

Allele frequency attached by ClinVar (database versions not stated): gnomAD 0.00001.

Submission:

Labcorp Genetics (formerly Invitae), Labcorp
Classification: Uncertain significance for Familial hemophagocytic lymphohistiocytosis 4. Last evaluated: 2022-07-01. Review status: criteria provided, single submitter. Criteria: Invitae Variant Classification Sherloc (09022015). Collection method: clinical testing. Allele origin: germline.
Comment: This sequence change replaces arginine, which is basic and polar, with glutamine, which is neutral and polar, at codon 64 of the STX11 protein (p.Arg64Gln). This variant is not present in population databases (gnomAD no frequency). This variant has not been reported in the literature in individuals affected with STX11-related conditions. Algorithms developed to predict the effect of missense changes on protein structure and function are either unavailable or do not agree on the potential impact of this missense change (SIFT: "Tolerated"; PolyPhen-2: "Probably Damaging"; Align-GVGD: "Class C0"). In summary, the available evidence is currently insufficient to determine the role of this variant in disease. Therefore, it has been classified as a Variant of Uncertain Significance.